The following is an entry in ClinVar:

NM_012418.4(FSCN2):c.601G>A (p.Val201Ile)

Gene: FSCN2 (fascin actin-bundling protein 2, retinal; plus strand). Cytogenetic location: 17q25.3.
Variant type: single nucleotide variant.
Coding change: c.601G>A on transcript NM_012418.4 (MANE Select); coding-DNA position 601, G replaced by A.
Protein change: p.Val201Ile; replaces valine 201 with isoleucine.
Molecular consequence: missense variant.
Genome position (GRCh38, 1-based): chr17:81,529,132, G>A. VCF-style: chr17-81529132-G-A. GRCh37 (hg19) VCF-style: chr17-79496158-G-A.
Other names: c.601G>A, p.Val201Ile (NM_001077182.3); short protein forms V201I.
Identifiers: ClinVar variation 957331 (VCV000957331.10), dbSNP rs782058911, ClinGen allele CA295078734.

ClinVar aggregate classification (germline): Uncertain significance. Review status: criteria provided, multiple submitters, no conflicts (2 of 4 stars). 2 submissions from 2 submitters: Uncertain significance (2). Last evaluated 2025-01-19.

Allele frequency attached by ClinVar (database versions not stated): TOPMed 0.00003.

Submissions (2):

Ambry Genetics
Classification: Uncertain significance. Last evaluated: 2025-01-19. Review status: criteria provided, single submitter. Criteria: Ambry Variant Classification Scheme 2023. Collection method: clinical testing. Allele origin: germline.

Labcorp Genetics (formerly Invitae), Labcorp
Classification: Uncertain significance. Last evaluated: 2022-08-09. Review status: criteria provided, single submitter. Criteria: Invitae Variant Classification Sherloc (09022015). Collection method: clinical testing. Allele origin: germline.
Comment: Algorithms developed to predict the effect of missense changes on protein structure and function are either unavailable or do not agree on the potential impact of this missense change (SIFT: "Tolerated"; PolyPhen-2: "Possibly Damaging"; Align-GVGD: "Class C0"). ClinVar contains an entry for this variant (Variation ID: 957331). This variant has not been reported in the literature in individuals affected with FSCN2-related conditions. This variant is not present in population databases (gnomAD no frequency). This sequence change replaces valine, which is neutral and non-polar, with isoleucine, which is neutral and non-polar, at codon 201 of the FSCN2 protein (p.Val201Ile). In summary, the available evidence is currently insufficient to determine the role of this variant in disease. Therefore, it has been classified as a Variant of Uncertain Significance.